The following is an entry in ClinVar:

NM_017849.4(TMEM127):c.245-3C>T

Gene: TMEM127 (transmembrane protein 127; minus strand). Cytogenetic location: 2q11.2.
Variant type: single nucleotide variant.
Coding change: c.245-3C>T on transcript NM_017849.4 (MANE Select); 3 bases into the intron before coding-DNA position 245, C replaced by T.
Molecular consequence: intron variant.
Genome position (GRCh38, 1-based): chr2:96,255,000, G>A on the plus strand (C>T on the coding strand, the complement: TMEM127 is on the minus strand). VCF-style: chr2-96255000-G-A. GRCh37 (hg19) VCF-style: chr2-96920738-G-A.
Other names: c.245-3C>T (NM_001193304.3).
Identifiers: ClinVar variation 486538 (VCV000486538.19), dbSNP rs181429509, ClinGen allele CA1777366.
Genomic context (GRCh38, chr2:96,255,000, plus strand): 5'-AAACAGAAGGCGGCGATGACCCGCAGGAGCAGCACTGTCTGGGGATTCATGCAGAAATCT[G>A]TAGAGGGAGAACCAAATTTTCACGGCCCCAAGTAACACTTGGTGCAGGAAGTCCCCACCT-3'

ClinVar aggregate classification (germline): Conflicting classifications of pathogenicity. Review status: criteria provided, conflicting classifications (1 of 4 stars). 4 submissions from 4 submitters: Uncertain significance (2); Likely benign (2). Last evaluated 2026-01-10.

Conditions:
Hereditary cancer-predisposing syndrome. Also called: Neoplastic Syndromes, Hereditary; Hereditary neoplastic syndrome; Tumor predisposition; Hereditary Cancer Syndrome. Identifiers: Orphanet 140162, MedGen C0027672, MeSH D009386, MONDO:0015356.
Hereditary pheochromocytoma and paraganglioma. Also called: Hereditary Paraganglioma-Pheochromocytoma Syndromes; Hereditary paragangliomas and pheochromocytomas; Hereditary pheochromocytoma-paraganglioma. Identifiers: Orphanet 29072, MedGen C4274332, MONDO:0017366.

Allele frequency attached by ClinVar (database versions not stated): ExAC 0.00001; gnomAD 0.00001; TOPMed 0.00001; gnomAD exomes 0.00002 and 0.00004; 1000 Genomes Project 0.00020; 1000 Genomes Project 30x 0.00031.
gnomAD v4.1: 24 of 1,614,156 alleles (0.0015%); highest among the groups gnomAD compares: Admixed American, 0.017%; no homozygotes.

Submissions (4):

Labcorp Genetics (formerly Invitae), Labcorp
Classification: Likely benign for Hereditary pheochromocytoma and paraganglioma. Last evaluated: 2026-01-10. Review status: criteria provided, single submitter. Criteria: Invitae Variant Classification Sherloc (09022015). Collection method: clinical testing. Allele origin: germline.

GeneDx
Classification: Uncertain significance. Last evaluated: 2024-08-01. Review status: criteria provided, single submitter. Criteria: GeneDx Variant Classification Process June 2021. Collection method: clinical testing. Allele origin: germline. Affected: yes.
Comment: In silico analysis indicates that this variant does not alter splicing; Has not been previously published as pathogenic or benign to our knowledge

Ambry Genetics
Classification: Likely benign for Hereditary cancer-predisposing syndrome. Last evaluated: 2020-07-30. Review status: criteria provided, single submitter. Criteria: Ambry Variant Classification Scheme 2023. Collection method: clinical testing. Allele origin: germline.

Revvity Omics, Revvity
Classification: Uncertain significance. Last evaluated: 2020-05-14. Review status: criteria provided, single submitter. Criteria: ACMG Guidelines, 2015. Collection method: clinical testing. Allele origin: germline.